The following is an entry in ClinVar:

ClinVar aggregate classification (germline): Uncertain significance (1 of 4 stars; one submission).

Conditions:
Autosomal recessive spastic paraplegia type 76. Identifiers: Orphanet 488594, MedGen C5567483, MONDO:0014827, OMIM 616907.

Submission:

Kariminejad - Najmabadi Pathology & Genetics Center
Classification: Uncertain significance for Autosomal recessive spastic paraplegia type 76. Last evaluated: 2020-06-28. Review status: criteria provided, single submitter. Criteria: ACMG Guidelines, 2015. Collection method: clinical testing. Allele origin: germline. Inheritance: Autosomal recessive inheritance. Affected: yes.
Comment: PM2, PP3

NM_005186.4(CAPN1):c.1124G>T (p.Trp375Leu)

Gene: CAPN1 (calpain 1; plus strand). Cytogenetic location: 11q13.1.
Variant type: single nucleotide variant.
Coding change: c.1124G>T on transcript NM_005186.4 (MANE Select); coding-DNA position 1124, G replaced by T.
Protein change: p.Trp375Leu; replaces tryptophan 375 with leucine.
Molecular consequence: missense variant. On other transcripts: non-coding transcript variant (1).
Genome position (GRCh38, 1-based): chr11:65,188,705, G>T. VCF-style: chr11-65188705-G-T. GRCh37 (hg19) VCF-style: chr11-64956176-G-T.
Other names: c.1124G>T, p.Trp375Leu (NM_001198868.2, NM_001198869.2); short protein forms W375L.
Identifiers: ClinVar variation 3896790 (VCV003896790.1).